The following is an entry in ClinVar:

NM_000245.4(MET):c.536C>A (p.Ala179Asp)

Gene: MET (MET proto-oncogene, receptor tyrosine kinase; plus strand). Cytogenetic location: 7q31.2.
Variant type: single nucleotide variant.
Coding change: c.536C>A on transcript NM_000245.4 (MANE Select); coding-DNA position 536, C replaced by A.
Protein change: p.Ala179Asp; replaces alanine 179 with aspartic acid.
Molecular consequence: missense variant. On other transcripts: intron variant (1).
Genome position (GRCh38, 1-based): chr7:116,699,620, C>A. VCF-style: chr7-116699620-C-A. GRCh37 (hg19) VCF-style: chr7-116339674-C-A.
Other names: c.536C>A, p.Ala179Asp (NM_001127500.3, NM_001324401.3); c.-91+27043C>A (NM_001324402.2); short protein forms A179D.
Identifiers: ClinVar variation 2567680 (VCV002567680.2), dbSNP rs2116591375, ClinGen allele CA368969298.

ClinVar aggregate classification (germline): Uncertain significance (1 of 4 stars; one submission).

Conditions:
Hereditary cancer-predisposing syndrome. Also called: Hereditary neoplastic syndrome; Hereditary Cancer Syndrome; Neoplastic Syndromes, Hereditary; Tumor predisposition. Identifiers: Orphanet 140162, MedGen C0027672, MeSH D009386, MONDO:0015356.

Allele frequency attached by ClinVar (database versions not stated): gnomAD exomes below 0.00001.
gnomAD v4.1: 2 of 1,613,938 alleles (0.00012%); highest among the groups gnomAD compares: Non-Finnish European, 0.00017%; no homozygotes.

Submission:

Ambry Genetics
Classification: Uncertain significance for Hereditary cancer-predisposing syndrome. Last evaluated: 2023-04-07. Review status: criteria provided, single submitter. Criteria: Ambry Variant Classification Scheme 2023. Collection method: clinical testing. Allele origin: germline.
Comment: The p.A179D variant (also known as c.536C>A), located in coding exon 1 of the MET gene, results from a C to A substitution at nucleotide position 536. The alanine at codon 179 is replaced by aspartic acid, an amino acid with dissimilar properties. This amino acid position is conserved. In addition, this alteration is predicted to be tolerated by in silico analysis. Since supporting evidence is limited at this time, the clinical significance of this alteration remains unclear.